The following is an entry in ClinVar:

NM_000673.7(ADH7):c.99G>A (p.Lys33=)

Gene: ADH7 (alcohol dehydrogenase 7 (class IV), mu or sigma polypeptide; minus strand). Cytogenetic location: 4q23.
Variant type: single nucleotide variant.
Coding change: c.99G>A on transcript NM_000673.7 (MANE Select); coding-DNA position 99, G replaced by A.
Protein change: p.Lys33=; no amino-acid change (lysine 33 retained).
Molecular consequence: synonymous variant.
Genome position (GRCh38, 1-based): chr4:99,429,553, C>T on the plus strand (G>A on the coding strand, the complement: ADH7 is on the minus strand). VCF-style: chr4-99429553-C-T. GRCh37 (hg19) VCF-style: chr4-100350710-C-T.
Other names: c.159G>A, p.Lys53= (NM_001166504.2).
Identifiers: ClinVar variation 3036118 (VCV003036118.2), dbSNP rs146212255, ClinGen allele CA3020952.

ClinVar aggregate classification (germline): Likely benign (0 of 4 stars; one submission).

Conditions:
ADH7-related disorder. Also called: ADH7-related condition.

Allele frequency attached by ClinVar (database versions not stated): ExAC 0.00005; TOPMed 0.00005; ESP Exome Variant Server 0.00023.
gnomAD v4.1: 159 of 1,611,950 alleles (0.0099%); highest among the groups gnomAD compares: Non-Finnish European, 0.013%; no homozygotes.

Submission:

PreventionGenetics, part of Exact Sciences
Classification: Likely benign for ADH7-related condition. Last evaluated: 2023-07-07. Review status: no assertion criteria provided. Collection method: clinical testing. Allele origin: germline.
Comment: This variant is classified as likely benign based on ACMG/AMP sequence variant interpretation guidelines (Richards et al. 2015 PMID: 25741868, with internal and published modifications).